The following is an entry in ClinVar:

NM_003922.4(HERC1):c.9735C>T (p.Thr3245=)

Gene: HERC1 (HECT and RLD domain containing E3 ubiquitin protein ligase family member 1; minus strand). Cytogenetic location: 15q22.31.
Variant type: single nucleotide variant.
Coding change: c.9735C>T on transcript NM_003922.4 (MANE Select); coding-DNA position 9735, C replaced by T.
Protein change: p.Thr3245=; no amino-acid change (threonine 3245 retained).
Molecular consequence: synonymous variant.
Genome position (GRCh38, 1-based): chr15:63,656,223, G>A on the plus strand (C>T on the coding strand, the complement: HERC1 is on the minus strand). VCF-style: chr15-63656223-G-A. GRCh37 (hg19) VCF-style: chr15-63948422-G-A.
Identifiers: ClinVar variation 2645430 (VCV002645430.24), dbSNP rs2551194660, ClinGen allele CA490709739.

ClinVar aggregate classification (germline): Likely benign (1 of 4 stars; one submission).

Submission:

CeGaT Center for Human Genetics Tuebingen
Classification: Likely benign. Last evaluated: 2022-08-01. Review status: criteria provided, single submitter. Criteria: CeGaT Center For Human Genetics Tuebingen Variant Classification Criteria Version 2. Collection method: clinical testing. Allele origin: germline. Affected: yes. Observed: 1 variant allele.
Comment: HERC1: PM2:Supporting, BP4, BP7